The following is an entry in ClinVar:

NM_004380.3(CREBBP):c.7110G>T (p.Gln2370His)

Gene: CREBBP (CREB binding protein; minus strand). Cytogenetic location: 16p13.3.
Variant type: single nucleotide variant.
Coding change: c.7110G>T on transcript NM_004380.3 (MANE Select); coding-DNA position 7110, G replaced by T.
Protein change: p.Gln2370His; replaces glutamine 2370 with histidine.
Molecular consequence: missense variant.
Genome position (GRCh38, 1-based): chr16:3,727,937, C>A on the plus strand (G>T on the coding strand, the complement: CREBBP is on the minus strand). VCF-style: chr16-3727937-C-A. GRCh37 (hg19) VCF-style: chr16-3777938-C-A.
Other names: c.6996G>T, p.Gln2332His (NM_001079846.1); short protein forms Q2332H, Q2370H.
Identifiers: ClinVar variation 1313688 (VCV001313688.2), dbSNP rs2151299196, ClinGen allele CA394550513.
Genomic context (GRCh38, chr16:3,727,937, plus strand): 5'-GGTGACTGCGAGTCCGGGGTGGGGGGAACCAGTCTGGGGTGAGACGTGGTGTGGCGAAGG[C>A]TGGGGCTGTATCCGTGGTGACGGGCTGGAATGTGGAGGCTGGGACTGGGGCCGTGGAGAC-3'
Protein context (NP_004371.2, residues 2360-2380): HSSPSPRIQP[Gln2370His]PSPHHVSPQT

ClinVar aggregate classification (germline): Uncertain significance (1 of 4 stars; one submission).

gnomAD v4.1: 1 of 1,608,602 alleles (0.000062%); highest among the groups gnomAD compares: Non-Finnish European, 0.000085%; no homozygotes.

Submission:

GeneDx
Classification: Uncertain significance. Last evaluated: 2020-11-25. Review status: criteria provided, single submitter. Criteria: GeneDx Variant Classification Process June 2021. Collection method: clinical testing. Allele origin: germline. Affected: yes.
Comment: Not observed in large population cohorts (Lek et al., 2016); In silico analysis supports that this missense variant has a deleterious effect on protein structure/function; Has not been previously published as pathogenic or benign to our knowledge